The following is an entry in ClinVar:

NM_130847.3(AMOTL1):c.2608A>G (p.Thr870Ala)

Gene: AMOTL1 (angiomotin like 1; plus strand). Cytogenetic location: 11q21.
Variant type: single nucleotide variant.
Coding change: c.2608A>G on transcript NM_130847.3 (MANE Select); coding-DNA position 2608, A replaced by G.
Protein change: p.Thr870Ala; replaces threonine 870 with alanine.
Molecular consequence: missense variant.
Genome position (GRCh38, 1-based): chr11:94,869,317, A>G. VCF-style: chr11-94869317-A-G. GRCh37 (hg19) VCF-style: chr11-94602482-A-G.
Other names: c.2458A>G, p.Thr820Ala (NM_001301007.2); short protein forms T870A, T820A.
Identifiers: ClinVar variation 4087894 (VCV004087894.2).

ClinVar aggregate classification (germline): Uncertain significance (1 of 4 stars; one submission).

Submission:

GeneDx
Classification: Uncertain significance. Last evaluated: 2026-02-10. Review status: criteria provided, single submitter. Criteria: GeneDx Variant Classification Process June 2021. Collection method: clinical testing. Allele origin: germline.
Comment: Not observed at significant frequency in large population cohorts (gnomAD); In silico analysis supports that this missense variant has a deleterious effect on protein structure/function; Has not been previously published as pathogenic or benign to our knowledge